The following is an entry in ClinVar:

ClinVar aggregate classification (germline): Uncertain significance (1 of 4 stars; one submission).

gnomAD v4.1: 1 of 1,448,856 alleles (0.000069%); highest among the groups gnomAD compares: South Asian, 0.0013%; no homozygotes.

Submission:

Labcorp Genetics (formerly Invitae), Labcorp
Classification: Uncertain significance. Last evaluated: 2025-07-14. Review status: criteria provided, single submitter. Criteria: Invitae Variant Classification Sherloc (09022015). Collection method: clinical testing. Allele origin: germline.
Comment: This sequence change replaces glycine, which is neutral and non-polar, with serine, which is neutral and polar, at codon 31 of the CLCN7 protein (p.Gly31Ser). This variant is not present in population databases (gnomAD no frequency). This variant has not been reported in the literature in individuals affected with CLCN7-related conditions. ClinVar contains an entry for this variant (Variation ID: 2965596). An algorithm developed to predict the effect of missense changes on protein structure and function outputs the following: PolyPhen-2: "Benign". The serine amino acid residue is found in multiple mammalian species, which suggests that this missense change does not adversely affect protein function. In summary, the available evidence is currently insufficient to determine the role of this variant in disease. Therefore, it has been classified as a Variant of Uncertain Significance.

NM_001287.6(CLCN7):c.91G>A (p.Gly31Ser)

Genes: CLCN7 (Cl-/H+ antiporter 7; minus strand), LOC130058166 (ATAC-STARR-seq lymphoblastoid silent region 6986; plus strand). Cytogenetic location: 16p13.3.
Variant type: single nucleotide variant.
Coding change: c.91G>A on transcript NM_001287.6 (MANE Select); coding-DNA position 91, G replaced by A.
Protein change: p.Gly31Ser; replaces glycine 31 with serine.
Molecular consequence: missense variant.
Genome position (GRCh38, 1-based): chr16:1,474,884, C>T on the plus strand (G>A on the coding strand, the complement: CLCN7 is on the minus strand). VCF-style: chr16-1474884-C-T. GRCh37 (hg19) VCF-style: chr16-1524885-C-T.
Other names: c.91G>A, p.Gly31Ser (NM_001114331.3); short protein forms G31S.
Identifiers: ClinVar variation 2965596 (VCV002965596.3), dbSNP rs2505869667, ClinGen allele CA394194067.